The following is an entry in ClinVar:

NM_001018115.3(FANCD2):c.1749CAT[1] (p.Ile584del)

Genes: FANCD2 (FA complementation group D2; plus strand), LOC107303338 (3p25 FANCD2 Alu-mediated recombination region; plus strand). Cytogenetic location: 3p25.3.
Variant type: Microsatellite.
Coding change: c.1749CAT[1] on transcript NM_001018115.3 (MANE Select); one copy of the 3-base unit CAT starting at c.1749; the reference has two copies in a row; one copy, 3 bases deleted.
Protein change: p.Ile584del; deletes isoleucine 584.
Genome position (GRCh38, 1-based): chr3:10,060,389-10,060,391, CAT deleted; deleting any 3 consecutive bases within chr3:10,060,386-10,060,391 gives the same sequence; the position shown is the placement nearest the transcript's 3' end. VCF-style (leftmost placement, unchanged base first): chr3-10060385-GCAT-G. GRCh37 (hg19) VCF-style: chr3-10102069-GCAT-G.
Other names: c.1749CAT[1], p.Ile584del (NM_001319984.2, NM_001374254.1, NM_033084.6); c.1638CAT[1], p.Ile547del (NM_001374253.1); short protein forms I584del, I547del.
Identifiers: ClinVar variation 3706208 (VCV003706208.2).

ClinVar aggregate classification (germline): Uncertain significance (1 of 4 stars; one submission).

Conditions:
Fanconi anemia (FA). Also called: Fanconi's anemia. Identifiers: Orphanet 84, MedGen C0015625, MeSH D005199, MONDO:0019391.

Submission:

Labcorp Genetics (formerly Invitae), Labcorp
Classification: Uncertain significance for Fanconi anemia. Last evaluated: 2024-03-27. Review status: criteria provided, single submitter. Criteria: Invitae Variant Classification Sherloc (09022015). Collection method: clinical testing. Allele origin: germline.
Comment: This variant, c.1752_1754del, results in the deletion of 1 amino acid(s) of the FANCD2 protein (p.Ile584del), but otherwise preserves the integrity of the reading frame. This variant is not present in population databases (gnomAD no frequency). This variant has not been reported in the literature in individuals affected with FANCD2-related conditions. Experimental studies and prediction algorithms are not available or were not evaluated, and the functional significance of this variant is currently unknown. In summary, the available evidence is currently insufficient to determine the role of this variant in disease. Therefore, it has been classified as a Variant of Uncertain Significance.